The following is an entry in ClinVar:

ClinVar aggregate classification (germline): Likely pathogenic (1 of 4 stars; one submission).

Conditions:
DICER1-related tumor predisposition. Also called: DICER1 syndrome; DICER1-related pleuropulmonary blastoma cancer predisposition syndrome. Identifiers: Orphanet 284343, MedGen C3839822, MONDO:0100216.

Allele frequency attached by ClinVar (database versions not stated): gnomAD exomes below 0.00001.
gnomAD v4.1: 2 of 1,614,102 alleles (0.00012%); highest among the groups gnomAD compares: Non-Finnish European, 0.00017%; no homozygotes.

Submission:

Labcorp Genetics (formerly Invitae), Labcorp
Classification: Likely pathogenic for DICER1-related tumor predisposition. Last evaluated: 2025-11-09. Review status: criteria provided, single submitter. Criteria: Invitae Variant Classification Sherloc (09022015). Collection method: clinical testing. Allele origin: germline.
Comment: This sequence change replaces glycine, which is neutral and non-polar, with arginine, which is basic and polar, at codon 1708 of the DICER1 protein (p.Gly1708Arg). This variant is not present in population databases (gnomAD no frequency). This missense change has been observed in individual(s) with clinical features of DICER1 syndrome (internal data). ClinVar contains an entry for this variant (Variation ID: 1355901). Invitae Evidence Modeling of protein sequence and biophysical properties (such as structural, functional, and spatial information, amino acid conservation, physicochemical variation, residue mobility, and thermodynamic stability) indicates that this missense variant is expected to disrupt DICER1 protein function with a positive predictive value of 95%. In summary, the currently available evidence indicates that the variant is pathogenic, but additional data are needed to prove that conclusively. Therefore, this variant has been classified as Likely Pathogenic.

NM_177438.3(DICER1):c.5122G>A (p.Gly1708Arg)

Gene: DICER1 (dicer 1, ribonuclease III; minus strand). Cytogenetic location: 14q32.13.
Variant type: single nucleotide variant.
Coding change: c.5122G>A on transcript NM_177438.3 (MANE Select); coding-DNA position 5122, G replaced by A.
Protein change: p.Gly1708Arg; replaces glycine 1708 with arginine.
Molecular consequence: missense variant.
Genome position (GRCh38, 1-based): chr14:95,094,130, C>T on the plus strand (G>A on the coding strand, the complement: DICER1 is on the minus strand). VCF-style: chr14-95094130-C-T. GRCh37 (hg19) VCF-style: chr14-95560467-C-T.
Other names: c.5122G>A, p.Gly1708Arg (NM_001195573.1, NM_001271282.3, NM_001291628.2 and 1 more transcripts); short protein forms G1708R.
Identifiers: ClinVar variation 1355901 (VCV001355901.7), dbSNP rs2139815940, ClinGen allele CA390865401.